The following is an entry in ClinVar:

ClinVar aggregate classification (germline): Uncertain significance (1 of 4 stars; one submission).

Submission:

Ambry Genetics
Classification: Uncertain significance. Last evaluated: 2025-05-22. Review status: criteria provided, single submitter. Criteria: Ambry Variant Classification Scheme 2023. Collection method: clinical testing. Allele origin: germline.
Comment: The p.D246V variant (also known as c.737A>T), located in coding exon 8 of the FAM175A gene, results from an A to T substitution at nucleotide position 737. The aspartic acid at codon 246 is replaced by valine, an amino acid with highly dissimilar properties. This amino acid position is conserved. In addition, this alteration is predicted to be tolerated by in silico analysis. Based on the available evidence, the clinical significance of this variant remains unclear.

NM_139076.3(ABRAXAS1):c.737A>T (p.Asp246Val)

Gene: ABRAXAS1 (abraxas 1, BRCA1 A complex subunit; minus strand). Cytogenetic location: 4q21.23.
Variant type: single nucleotide variant.
Coding change: c.737A>T on transcript NM_139076.3 (MANE Select); coding-DNA position 737, A replaced by T.
Protein change: p.Asp246Val; replaces aspartic acid 246 with valine.
Molecular consequence: missense variant.
Genome position (GRCh38, 1-based): chr4:83,463,553, T>A on the plus strand (A>T on the coding strand, the complement: ABRAXAS1 is on the minus strand). VCF-style: chr4-83463553-T-A. GRCh37 (hg19) VCF-style: chr4-84384706-T-A.
Other names: c.410A>T, p.Asp137Val (NM_001345962.2); short protein forms D246V, D137V.
Identifiers: ClinVar variation 3994456 (VCV003994456.1).
Genomic context (GRCh38, chr4:83,463,553, plus strand): 5'-CTTGCTGCCTGAATCTGTGCTCCTCTCCTTTTCTCAATTTCTCGTTTTAATCTGTTTACA[T>A]CCTTTACTAGTTTATCTACTGCTTGTTCACTGTCTTCCACTTTTTTGCATATACTCTGCA-3'
Protein context (NP_620775.2, residues 236-256): SEQAVDKLVK[Asp246Val]VNRLKREIEK